The following is an entry in ClinVar:

ClinVar aggregate classification (germline): Uncertain significance (1 of 4 stars; one submission).

Submission:

Labcorp Genetics (formerly Invitae), Labcorp
Classification: Uncertain significance. Last evaluated: 2025-09-13. Review status: criteria provided, single submitter. Criteria: Invitae Variant Classification Sherloc (09022015). Collection method: clinical testing. Allele origin: germline.
Comment: This sequence change replaces lysine, which is basic and polar, with arginine, which is basic and polar, at codon 772 of the CSF1R protein (p.Lys772Arg). This variant is not present in population databases (gnomAD no frequency). This variant has not been reported in the literature in individuals affected with CSF1R-related conditions. Invitae Evidence Modeling of protein sequence and biophysical properties (such as structural, functional, and spatial information, amino acid conservation, physicochemical variation, residue mobility, and thermodynamic stability) indicates that this missense variant is not expected to disrupt CSF1R protein function with a negative predictive value of 95%. In summary, the available evidence is currently insufficient to determine the role of this variant in disease. Therefore, it has been classified as a Variant of Uncertain Significance.

NM_001288705.3(CSF1R):c.2315A>G (p.Lys772Arg)

Gene: CSF1R (colony stimulating factor 1 receptor; minus strand). Cytogenetic location: 5q32.
Variant type: single nucleotide variant.
Coding change: c.2315A>G on transcript NM_001288705.3 (MANE Select); coding-DNA position 2315, A replaced by G.
Protein change: p.Lys772Arg; replaces lysine 772 with arginine.
Molecular consequence: missense variant. On other transcripts: non-coding transcript variant (2).
Genome position (GRCh38, 1-based): chr5:150,057,291, T>C on the plus strand (A>G on the coding strand, the complement: CSF1R is on the minus strand). VCF-style: chr5-150057291-T-C. GRCh37 (hg19) VCF-style: chr5-149436854-T-C.
Other names: c.2315A>G, p.Lys772Arg (NM_001349736.2, NM_001375320.1, NM_005211.4); c.1871A>G, p.Lys624Arg (NM_001375321.1); short protein forms K624R, K772R.
Identifiers: ClinVar variation 4801554 (VCV004801554.1).